The following is an entry in ClinVar:

ClinVar aggregate classification (germline): Uncertain significance (1 of 4 stars; one submission).

Conditions:
Warburg micro syndrome 2 (WARBM2). Also called: MICRO SYNDROME 2. Identifiers: Orphanet 2510, MedGen C3280214, MONDO:0013641, OMIM 614225.
Martsolf syndrome (MARTS). Also called: Congenital cataract with intellectual disability and hypogonadotropic hypogonadism syndrome. Identifiers: Orphanet 1387, MedGen C0796037, MONDO:0023910.

Submission:

Labcorp Genetics (formerly Invitae), Labcorp
Classification: Uncertain significance for Martsolf syndrome; Warburg micro syndrome 2. Last evaluated: 2021-12-02. Review status: criteria provided, single submitter. Criteria: Invitae Variant Classification Sherloc (09022015). Collection method: clinical testing. Allele origin: germline.
Comment: In summary, the available evidence is currently insufficient to determine the role of this variant in disease. Therefore, it has been classified as a Variant of Uncertain Significance. Algorithms developed to predict the effect of missense changes on protein structure and function (SIFT, PolyPhen-2, Align-GVGD) all suggest that this variant is likely to be tolerated. This variant has not been reported in the literature in individuals affected with RAB3GAP2-related conditions. This variant is not present in population databases (gnomAD no frequency). This sequence change replaces leucine, which is neutral and non-polar, with histidine, which is basic and polar, at codon 571 of the RAB3GAP2 protein (p.Leu571His).

NM_012414.4(RAB3GAP2):c.1712T>A (p.Leu571His)

Gene: RAB3GAP2 (RAB3 GTPase activating non-catalytic protein subunit 2; minus strand). Cytogenetic location: 1q41.
Variant type: single nucleotide variant.
Coding change: c.1712T>A on transcript NM_012414.4 (MANE Select); coding-DNA position 1712, T replaced by A.
Protein change: p.Leu571His; replaces leucine 571 with histidine.
Molecular consequence: missense variant.
Genome position (GRCh38, 1-based): chr1:220,190,066, A>T on the plus strand (T>A on the coding strand, the complement: RAB3GAP2 is on the minus strand). VCF-style: chr1-220190066-A-T. GRCh37 (hg19) VCF-style: chr1-220363408-A-T.
Other names: short protein forms L571H.
Identifiers: ClinVar variation 1364420 (VCV001364420.8), dbSNP rs2102869135, ClinGen allele CA344644792.